The following is an entry in ClinVar:

ClinVar aggregate classification (germline): Uncertain significance (1 of 4 stars; one submission).

Allele frequency attached by ClinVar (database versions not stated): gnomAD exomes below 0.00001.
gnomAD v4.1: 4 of 1,206,151 alleles (0.00033%); highest among the groups gnomAD compares: Non-Finnish European, 0.00034%; no homozygotes.

Submission:

Labcorp Genetics (formerly Invitae), Labcorp
Classification: Uncertain significance. Last evaluated: 2024-04-23. Review status: criteria provided, single submitter. Criteria: Invitae Variant Classification Sherloc (09022015). Collection method: clinical testing. Allele origin: germline.
Comment: This sequence change replaces isoleucine, which is neutral and non-polar, with threonine, which is neutral and polar, at codon 364 of the SH3KBP1 protein (p.Ile364Thr). This variant is not present in population databases (gnomAD no frequency). This variant has not been reported in the literature in individuals affected with SH3KBP1-related conditions. ClinVar contains an entry for this variant (Variation ID: 2013299). Advanced modeling of protein sequence and biophysical properties (such as structural, functional, and spatial information, amino acid conservation, physicochemical variation, residue mobility, and thermodynamic stability) performed at Invitae indicates that this missense variant is not expected to disrupt SH3KBP1 protein function with a negative predictive value of 80%. In summary, the available evidence is currently insufficient to determine the role of this variant in disease. Therefore, it has been classified as a Variant of Uncertain Significance.

NM_031892.3(SH3KBP1):c.1091T>C (p.Ile364Thr)

Gene: SH3KBP1 (SH3 domain containing kinase binding protein 1; minus strand). Cytogenetic location: Xp22.12.
Variant type: single nucleotide variant.
Coding change: c.1091T>C on transcript NM_031892.3 (MANE Select); coding-DNA position 1091, T replaced by C.
Protein change: p.Ile364Thr; replaces isoleucine 364 with threonine.
Molecular consequence: missense variant.
Genome position (GRCh38, 1-based): chrX:19,592,114, A>G on the plus strand (T>C on the coding strand, the complement: SH3KBP1 is on the minus strand). VCF-style: chrX-19592114-A-G. GRCh37 (hg19) VCF-style: chrX-19610232-A-G.
Other names: c.980T>C, p.Ile327Thr (NM_001024666.3); c.377T>C, p.Ile126Thr (NM_001184960.2, NM_001353897.2); c.1091T>C, p.Ile364Thr (NM_001353890.2); c.1166T>C, p.Ile389Thr (NM_001353891.2, NM_001353892.2); c.989T>C, p.Ile330Thr (NM_001353893.2, NM_001353894.2); c.1046T>C, p.Ile349Thr (NM_001353895.2); c.1223T>C, p.Ile408Thr (NM_001410756.1, NM_001410757.1); c.914T>C, p.Ile305Thr (NM_001410758.1); short protein forms I305T, I327T, I330T, I364T, I408T, I349T, I126T, I389T.
Identifiers: ClinVar variation 2013299 (VCV002013299.4), dbSNP rs2519287059, ClinGen allele CA412499881.